The following is an entry in ClinVar:

NM_000254.3(MTR):c.3315T>G (p.Phe1105Leu)

Gene: MTR (5-methyltetrahydrofolate-homocysteine methyltransferase; plus strand). Cytogenetic location: 1q43.
Variant type: single nucleotide variant.
Coding change: c.3315T>G on transcript NM_000254.3 (MANE Select); coding-DNA position 3315, T replaced by G.
Protein change: p.Phe1105Leu; replaces phenylalanine 1105 with leucine.
Molecular consequence: missense variant.
Genome position (GRCh38, 1-based): chr1:236,894,467, T>G. VCF-style: chr1-236894467-T-G. GRCh37 (hg19) VCF-style: chr1-237057767-T-G.
Other names: c.3162T>G, p.Phe1054Leu (NM_001291939.1); c.2094T>G, p.Phe698Leu (NM_001291940.2); short protein forms F1105L, F1054L, F698L.
Identifiers: ClinVar variation 1492542 (VCV001492542.6), dbSNP rs1221565565, ClinGen allele CA345388789.
Genomic context (GRCh38, chr1:236,894,467, plus strand): 5'-CATCGCTCCCTTGCATTCTGGCATCCGTGACTACCTGGGCCTGTTTGCCGTTGCCTGCTT[T>G]GGGGTAGAAGAGCTGAGCAAGGCCTATGAGGATGATGGTGACGACTACAGCAGCATCATG-3'
Protein context (NP_000245.2, residues 1095-1115): DYLGLFAVAC[Phe1105Leu]GVEELSKAYE

ClinVar aggregate classification (germline): Uncertain significance (1 of 4 stars; one submission).

Conditions:
Methylcobalamin deficiency type cblG (HMAG). Also called: HOMOCYSTINURIA-MEGALOBLASTIC ANEMIA, cblG TYPE; HOMOCYSTINURIA-MEGALOBLASTIC ANEMIA, cblG COMPLEMENTATION TYPE; Functional methionine synthase deficiency type cblG; HOMOCYSTINURIA-MEGALOBLASTIC ANEMIA DUE TO DEFECT IN COBALAMIN METABOLISM, cblG COMPLEMENTATION TYPE. Identifiers: Orphanet 2170, Orphanet 622, MedGen C1855128, MONDO:0009609, OMIM 250940.

Allele frequency attached by ClinVar (database versions not stated): gnomAD exomes below 0.00001.
gnomAD v4.1: 1 of 1,614,100 alleles (0.000062%); highest among the groups gnomAD compares: Admixed American, 0.0017%; no homozygotes.

Submission:

Labcorp Genetics (formerly Invitae), Labcorp
Classification: Uncertain significance for Methylcobalamin deficiency type cblG. Last evaluated: 2024-10-22. Review status: criteria provided, single submitter. Criteria: Invitae Variant Classification Sherloc (09022015). Collection method: clinical testing. Allele origin: germline.
Comment: This sequence change replaces phenylalanine, which is neutral and non-polar, with leucine, which is neutral and non-polar, at codon 1105 of the MTR protein (p.Phe1105Leu). This variant is not present in population databases (gnomAD no frequency). This variant has not been reported in the literature in individuals affected with MTR-related conditions. ClinVar contains an entry for this variant (Variation ID: 1492542). Invitae Evidence Modeling of protein sequence and biophysical properties (such as structural, functional, and spatial information, amino acid conservation, physicochemical variation, residue mobility, and thermodynamic stability) indicates that this missense variant is not expected to disrupt MTR protein function with a negative predictive value of 95%. In summary, the available evidence is currently insufficient to determine the role of this variant in disease. Therefore, it has been classified as a Variant of Uncertain Significance.